The following is an entry in ClinVar:

NM_000091.5(COL4A3):c.345del (p.Pro116fs)

Genes: COL4A3 (collagen type IV alpha 3 chain; plus strand), MFF-DT (MFF divergent transcript; minus strand). Cytogenetic location: 2q36.3.
Variant type: Deletion.
Coding change: c.345del on transcript NM_000091.5 (MANE Select); coding-DNA position 345, one base deleted (G; older notation c.345delG).
Protein change: p.Pro116fs; shifts the reading frame from proline 116.
Molecular consequence: frameshift variant.
Genome position (GRCh38, 1-based): chr2:227,245,974, G deleted; the last of 3 consecutive G bases (chr2:227,245,972-227,245,974); deleting any one gives the same sequence. VCF-style (leftmost placement, unchanged base first): chr2-227245971-CG-C. GRCh37 (hg19) VCF-style: chr2-228110687-CG-C.
Other names: c.345delG (NM_000091.4); short protein forms P116fs.
Identifiers: ClinVar variation 554004 (VCV000554004.25), dbSNP rs749390823, ClinGen allele CA2146057.

ClinVar aggregate classification (germline): Pathogenic. Review status: criteria provided, multiple submitters, no conflicts (2 of 4 stars). 10 submissions from 10 submitters: Pathogenic (9). 1 of the submissions does not count toward it. Last evaluated 2026-01-06.

Conditions:
COL4A3-related disorder. Also called: COL4A3-related condition; COL4A3-Related Disorders.
Autosomal dominant Alport syndrome (ATS3A). Also called: Alport syndrome dominant type; Renal failure and sensorineural hearing loss; ALPORT SYNDROME 3A, AUTOSOMAL DOMINANT. Identifiers: Orphanet 63, Orphanet 88918, MedGen C5882663, MONDO:0007086, OMIM 104200.
Hematuria, benign familial, 2 (BFH2). Identifiers: MedGen C5830421, MONDO:0958186, OMIM 620320.
Alport syndrome 3b, autosomal recessive. Identifiers: MedGen C5882699, MONDO:0957811, OMIM 620536.
Alport syndrome. Also called: Hemorrhagic familial nephritis; Hemorrhagic hereditary nephritis; Congenital hereditary hematuria. Identifiers: Orphanet 63, MedGen C1567741, MONDO:0018965.
Autosomal recessive Alport syndrome (ATS2). Also called: COL4A4 Alport Syndrome and Thin Basement Membrane Nephropathy; Alport syndrome type 2; ALPORT SYNDROME 2, AUTOSOMAL RECESSIVE; COL4A3-Related Nephropathy. Identifiers: Orphanet 63, Orphanet 88919, MedGen C4746745, MONDO:0008762, OMIM 203780.

Submissions (10):

Labcorp Genetics (formerly Invitae), Labcorp
Classification: Pathogenic. Last evaluated: 2026-01-06. Review status: criteria provided, single submitter. Criteria: Invitae Variant Classification Sherloc (09022015). Collection method: clinical testing. Allele origin: germline.
Comment: This sequence change creates a premature translational stop signal (p.Pro116Leufs*37) in the COL4A3 gene. It is expected to result in an absent or disrupted protein product. Loss-of-function variants in COL4A3 are known to be pathogenic (PMID: 8956999, 24854265, 26809805, 27281700). This variant is present in population databases (rs749390823, gnomAD 0.02%). This premature translational stop signal has been observed in individual(s) with clinical features of COL4A3-related conditions (PMID: 24854265, 26277931). ClinVar contains an entry for this variant (Variation ID: 554004). For these reasons, this variant has been classified as Pathogenic.

Natera, Inc.
Classification: Pathogenic for Alport syndrome. Last evaluated: 2025-11-26. Review status: criteria provided, single submitter. Criteria: Natera Variant Classification Schema (03/2026). Collection method: clinical testing. Allele origin: germline.
Comment: The c.345delG variant in COL4A3 is a frameshift variant predicted to shift the reading frame beginning at codon 116 and leads to a stop codon 37 codons downstream. This variant is expected to result in nonsense mediated decay, truncation, or a dysfunctional protein product. This variant is rare in the general population with a frequency below the threshold expected for the associated phenotype(s). This variant has been observed in one or more individuals affected with the associated recessive disease, as either homozygous or compound heterozygous with a second variant (PMID: 32860008). Given the available evidence, this variant is classified as Pathogenic.

GeneDx
Classification: Pathogenic. Last evaluated: 2025-10-08. Review status: criteria provided, single submitter. Criteria: GeneDx Variant Classification Process June 2021. Collection method: clinical testing. Allele origin: germline. Affected: yes.
Comment: Reported in heterozygous state in two patients belonging to a single family with bilateral hearing loss and renal disease; of note, several additional family members were noted only to have hearing loss (PMID: 25450602); Frameshift variant predicted to result in protein truncation or nonsense mediated decay in a gene for which loss of function is a known mechanism of disease; This variant is associated with the following publications: (PMID: 33532864, 33353754, 31589614, 33838161, 32860008, 26277931, 29246570, 24854265, 25450602, 39810285)

Revvity Omics, Revvity
Classification: Pathogenic. Last evaluated: 2025-03-20. Review status: criteria provided, single submitter. Criteria: ACMG Guidelines, 2015. Collection method: clinical testing. Allele origin: germline.

Fulgent Genetics
Classification: Pathogenic for Autosomal dominant Alport syndrome; Hematuria, benign familial, 2; Alport syndrome 3b, autosomal recessive. Last evaluated: 2024-03-01. Review status: criteria provided, single submitter. Criteria: ACMG Guidelines, 2015. Collection method: clinical testing. Allele origin: germline.

Blueprint Genetics
Classification: Pathogenic for COL4A3-related disorders. Last evaluated: 2023-06-15. Review status: criteria provided, single submitter. Criteria: ACMG Guidelines, 2015. Collection method: clinical testing. Allele origin: germline. Affected: yes. Observed: 3 variant alleles.

Women's Health and Genetics/Laboratory Corporation of America, LabCorp
Classification: Pathogenic for Alport syndrome autosomal recessive. Last evaluated: 2020-06-03. Review status: criteria provided, single submitter. Criteria: LabCorp Variant Classification Summary - May 2015. Collection method: clinical testing. Allele origin: germline.
Comment: Variant summary: COL4A3 c.345delG (p.Pro116LeufsX37) results in a premature termination codon, predicted to cause a truncation of the encoded protein or absence of the protein due to nonsense mediated decay, which are commonly known mechanisms for disease. Truncations downstream of this position have been classified as pathogenic by our laboratory. The variant allele was found at a frequency of 3.6e-05 in 249432 control chromosomes. c.345delG has been reported in the literature in multiple individuals affected with Alport Syndrome, Autosomal Recessive (e.g. Moriniere_2014) or Autosomal Dominant (e.g. Rosado_2015). These data indicate that the variant is very likely to be associated with disease. To our knowledge, no experimental evidence demonstrating an impact on protein function has been reported. Two clinical diagnostic laboratories have submitted clinical-significance assessments for this variant to ClinVar after 2014 without evidence for independent evaluation. Both laboratories classified the variant as pathogenic. Based on the evidence outlined above, the variant was classified as pathogenic.

Molecular Biology Laboratory, Fundació Puigvert
Classification: Pathogenic for Autosomal dominant Alport syndrome. Last evaluated: 2020-02-01. Review status: criteria provided, single submitter. Criteria: ACMG Guidelines, 2015. Collection method: research. Allele origin: germline. Affected: yes. Study: KidneyPanel_2020.

CENTOGENE GmbH and LLC - Guiding Precision Medicine
Classification: Pathogenic for Autosomal recessive Alport syndrome. Review status: criteria provided, single submitter. Criteria: ACMG Guidelines, 2015. Collection method: clinical testing. Allele origin: germline. Affected: yes.

Counsyl
Classification: Pathogenic for Autosomal recessive Alport syndrome. Last evaluated: 2017-09-21. Review status: no assertion criteria provided. Collection method: clinical testing. Allele origin: unknown. Not counted in ClinVar's aggregate classification.

Literature cited by the submitters: PubMed 8956999 (cited by Labcorp Genetics (formerly Invitae), Labcorp); PubMed 24854265 (cited by 3 submitters); PubMed 26809805 (cited by Labcorp Genetics (formerly Invitae), Labcorp); PubMed 27281700 (cited by Labcorp Genetics (formerly Invitae), Labcorp); PubMed 26277931 (cited by Labcorp Genetics (formerly Invitae), Labcorp and Women's Health and Genetics/Laboratory Corporation of America, LabCorp); PubMed 32860008 (cited by Natera, Inc. and CENTOGENE GmbH and LLC - Guiding Precision Medicine); PubMed 25450602 (cited by Women's Health and Genetics/Laboratory Corporation of America, LabCorp); PubMed 33532864 (cited by Molecular Biology Laboratory, Fundació Puigvert).